The following is an entry in ClinVar:

NM_000170.3(GLDC):c.478C>T (p.Gln160Ter)

Gene: GLDC (glycine decarboxylase; minus strand). Cytogenetic location: 9p24.1.
Variant type: single nucleotide variant.
Coding change: c.478C>T on transcript NM_000170.3 (MANE Select); coding-DNA position 478, C replaced by T.
Protein change: p.Gln160Ter; replaces glutamine 160 with a stop codon.
Molecular consequence: nonsense.
Genome position (GRCh38, 1-based): chr9:6,610,349, G>A on the plus strand (C>T on the coding strand, the complement: GLDC is on the minus strand). VCF-style: chr9-6610349-G-A. GRCh37 (hg19) VCF-style: chr9-6610349-G-A.
Other names: c.478C>T (NM_000170.2); short protein forms Q160*.
Identifiers: ClinVar variation 1456217 (VCV001456217.11), dbSNP rs1264725941, ClinGen allele CA372898671.
Genomic context (GRCh38, chr9:6,610,349, plus strand): 5'-GGTAGTTGAGTAAACTCTCCAGCCTCCCCTGAGACACCTCAGGCTGGTATGGAGTATACT[G>A]GGTGATCCTGCAAGGGAAACAAAAGGTCTTGTCCAAACTGACTGCTGTTTAGAGAAGCAC-3'

ClinVar aggregate classification (germline): Pathogenic/Likely pathogenic. Review status: criteria provided, multiple submitters, no conflicts (2 of 4 stars). 5 submissions from 5 submitters: Pathogenic (3); Likely pathogenic (2). Last evaluated 2026-03-09.

Conditions:
Glycine encephalopathy. Also called: Non-ketotic hyperglycinemia; Nonketotic hyperglycinemia. Identifiers: Orphanet 407, MedGen C0751748, MONDO:0011612, HP:0008288.
Glycine encephalopathy 1 (GCE1). Identifiers: MedGen CN376801, MONDO:0958179, OMIM 605899.

Submissions (5):

Women's Health and Genetics/Laboratory Corporation of America, LabCorp
Classification: Pathogenic for Glycine encephalopathy. Last evaluated: 2026-03-09. Review status: criteria provided, single submitter. Criteria: LabCorp Variant Classification Summary - May 2015. Collection method: clinical testing. Allele origin: germline.
Comment: Variant summary: GLDC c.478C>T (p.Gln160X) results in a premature termination codon, predicted to cause a truncation of the encoded protein or absence of the protein due to nonsense mediated decay, which are commonly known mechanisms for disease. The variant was absent in 251296 control chromosomes. To our knowledge, no occurrence of c.478C>T in individuals affected with GLDC-related conditions and no experimental evidence demonstrating its impact on protein function have been reported. ClinVar contains an entry for this variant (Variation ID: 1456217). Based on the evidence outlined above, the variant was classified as pathogenic.

Natera, Inc.
Classification: Likely pathogenic for Non-ketotic hyperglycinemia. Last evaluated: 2024-07-05. Review status: criteria provided, single submitter. Criteria: Natera Variant Classification Schema (03/2026). Collection method: clinical testing. Allele origin: germline.
Comment: The c.478C>T variant in GLDC is a nonsense variant predicted to introduce a stop codon at amino acid 160. This variant is expected to result in nonsense mediated decay, truncation, or a dysfunctional protein product. This variant is rare in the general population with a frequency below the threshold expected for the associated phenotype(s). Given the available evidence, this variant is classified as Likely Pathogenic.

Myriad Genetics, Inc.
Classification: Pathogenic for Glycine encephalopathy 1. Last evaluated: 2023-10-07. Review status: criteria provided, single submitter. Criteria: Myriad Autosomal Dominant, Autosomal Recessive and X-Linked Classification Criteria (2023). Collection method: clinical testing. Allele origin: unknown.
Comment: NM_000170.2(GLDC):c.478C>T(Q160*) is expected to be pathogenic in the context of glycine encephalopathy, GLDC-related. This variant is predicted to lead to an abnormal or absent protein product due to the creation of a premature termination codon in GLDC, a gene where loss-of-function variants are known to be pathogenic. Please note: this variant was assessed in the context of healthy population screening.

Labcorp Genetics (formerly Invitae), Labcorp
Classification: Pathogenic for Glycine encephalopathy. Last evaluated: 2021-07-19. Review status: criteria provided, single submitter. Criteria: Invitae Variant Classification Sherloc (09022015). Collection method: clinical testing. Allele origin: germline.
Comment: For these reasons, this variant has been classified as Pathogenic. This variant has not been reported in the literature in individuals affected with GLDC-related conditions. This variant is not present in population databases (ExAC no frequency). This sequence change creates a premature translational stop signal (p.Gln160*) in the GLDC gene. It is expected to result in an absent or disrupted protein product. Loss-of-function variants in GLDC are known to be pathogenic (PMID: 16601880).

Juno Genomics, Hangzhou Juno Genomics, Inc
Classification: Likely pathogenic for Glycine encephalopathy 1. Review status: criteria provided, single submitter. Criteria: ACMG Guidelines, 2015. Collection method: clinical testing. Allele origin: germline.
Comment: Null variant in a gene where loss of function (LOF) is a known mechanism of disease.;Absent from controls (or at extremely low frequency if recessive) in Genome Aggregation Database.

Literature cited by the submitters: PubMed 16601880 (cited by Labcorp Genetics (formerly Invitae), Labcorp).